The following is an entry in ClinVar:

ClinVar aggregate classification (germline): Conflicting classifications of pathogenicity. Review status: criteria provided, conflicting classifications (1 of 4 stars). 4 submissions from 4 submitters: Uncertain significance (3); Likely benign (1). Last evaluated 2026-04-07.

Conditions:
PCNT-related disorder. Also called: PCNT-related condition.
Inborn genetic diseases. Identifiers: MedGen C0950123, MeSH D030342.

Allele frequency attached by ClinVar (database versions not stated): gnomAD 0.00014 and 0.00012; ExAC 0.00017; ESP Exome Variant Server 0.00008; TOPMed 0.00009; gnomAD exomes 0.00010.
gnomAD v4.1: 210 of 1,613,680 alleles (0.013%); highest among the groups gnomAD compares: Non-Finnish European, 0.016%; no homozygotes.

Submissions (4):

PreventionGenetics, part of Exact Sciences
Classification: Uncertain significance for PCNT-related condition. Last evaluated: 2026-04-07. Review status: criteria provided, single submitter. Criteria: ACMG Guidelines, 2015. Collection method: clinical testing. Allele origin: germline.
Comment: The PCNT c.2458C>T variant is predicted to result in the amino acid substitution p.Arg820Cys. To our knowledge, this variant has not been reported in the literature. This variant is reported in 0.019% of alleles in individuals of European (Non-Finnish) descent in gnomAD. At this time, the clinical significance of this variant is uncertain due to the absence of conclusive functional and genetic evidence.

Labcorp Genetics (formerly Invitae), Labcorp
Classification: Uncertain significance. Last evaluated: 2022-07-20. Review status: criteria provided, single submitter. Criteria: Invitae Variant Classification Sherloc (09022015). Collection method: clinical testing. Allele origin: germline.
Comment: This sequence change replaces arginine, which is basic and polar, with cysteine, which is neutral and slightly polar, at codon 820 of the PCNT protein (p.Arg820Cys). This variant is present in population databases (rs369586175, gnomAD 0.02%). This variant has not been reported in the literature in individuals affected with PCNT-related conditions. ClinVar contains an entry for this variant (Variation ID: 384401). Algorithms developed to predict the effect of missense changes on protein structure and function are either unavailable or do not agree on the potential impact of this missense change (SIFT: "Deleterious"; PolyPhen-2: "Possibly Damaging"; Align-GVGD: "Class C15"). In summary, the available evidence is currently insufficient to determine the role of this variant in disease. Therefore, it has been classified as a Variant of Uncertain Significance.

Ambry Genetics
Classification: Uncertain significance for Inborn genetic diseases. Last evaluated: 2021-08-12. Review status: criteria provided, single submitter. Criteria: Ambry Variant Classification Scheme 2023. Collection method: clinical testing. Allele origin: germline.

GeneDx
Classification: Likely benign. Last evaluated: 2021-05-05. Review status: criteria provided, single submitter. Criteria: GeneDx Variant Classification Process June 2021. Collection method: clinical testing. Allele origin: germline. Affected: yes.

NM_006031.6(PCNT):c.2458C>T (p.Arg820Cys)

Gene: PCNT (pericentrin; plus strand). Cytogenetic location: 21q22.3.
Variant type: single nucleotide variant.
Coding change: c.2458C>T on transcript NM_006031.6 (MANE Select); coding-DNA position 2458, C replaced by T.
Protein change: p.Arg820Cys; replaces arginine 820 with cysteine.
Molecular consequence: missense variant.
Genome position (GRCh38, 1-based): chr21:46,363,783, C>T. VCF-style: chr21-46363783-C-T. GRCh37 (hg19) VCF-style: chr21-47783698-C-T.
Other names: c.2104C>T, p.Arg702Cys (NM_001315529.2); short protein forms R820C, R702C.
Identifiers: ClinVar variation 384401 (VCV000384401.9), dbSNP rs369586175, ClinGen allele CA10078977.